The following is an entry in ClinVar:

ClinVar aggregate classification (germline): Uncertain significance (1 of 4 stars; one submission).

Conditions:
Primary ciliary dyskinesia 16. Also called: CILIARY DYSKINESIA, PRIMARY, 16, WITH OR WITHOUT SITUS INVERSUS. Identifiers: Orphanet 244, MedGen C3151460, MONDO:0013525, OMIM 614017.

Submission:

Labcorp Genetics (formerly Invitae), Labcorp
Classification: Uncertain significance for Primary ciliary dyskinesia 16. Last evaluated: 2022-09-06. Review status: criteria provided, single submitter. Criteria: Invitae Variant Classification Sherloc (09022015). Collection method: clinical testing. Allele origin: germline.
Comment: This sequence change creates a premature translational stop signal (p.Lys168Argfs*6) in the DNAL1 gene. While this is not anticipated to result in nonsense mediated decay, it is expected to disrupt the last 23 amino acid(s) of the DNAL1 protein. This variant is present in population databases (no rsID available, gnomAD 0.003%). This premature translational stop signal has been observed in individual(s) with primary ciliary dyskinesia (Invitae). ClinVar contains an entry for this variant (Variation ID: 639680). Experimental studies and prediction algorithms are not available or were not evaluated, and the functional significance of this variant is currently unknown. In summary, the available evidence is currently insufficient to determine the role of this variant in disease. Therefore, it has been classified as a Variant of Uncertain Significance.

NM_031427.4(DNAL1):c.503del (p.Lys168fs)

Gene: DNAL1 (dynein axonemal light chain 1; plus strand). Cytogenetic location: 14q24.3.
Variant type: Deletion.
Coding change: c.503del on transcript NM_031427.4 (MANE Select); coding-DNA position 503, one base deleted (A; older notation c.503delA).
Protein change: p.Lys168fs; shifts the reading frame from lysine 168.
Molecular consequence: frameshift variant.
Genome position (GRCh38, 1-based): chr14:73,689,486, A deleted; the last of 2 consecutive A bases (chr14:73,689,485-73,689,486); deleting either gives the same sequence. VCF-style (leftmost placement, unchanged base first): chr14-73689484-CA-C. GRCh37 (hg19) VCF-style: chr14-74156187-CA-C.
Other names: c.503del (NM_031427.3); c.386del, p.Lys129fs (NM_001201366.2); short protein forms K168fs, K129fs.
Identifiers: ClinVar variation 639680 (VCV000639680.8), dbSNP rs1294769916, ClinGen allele CA615012243.